The following is an entry in ClinVar:

ClinVar aggregate classification (germline): Pathogenic (1 of 4 stars; one submission).

Conditions:
Inborn genetic diseases. Identifiers: MedGen C0950123, MeSH D030342.

Submission:

Ambry Genetics
Classification: Pathogenic for Inborn genetic diseases. Last evaluated: 2025-10-16. Review status: criteria provided, single submitter. Criteria: Ambry Variant Classification Scheme 2023. Collection method: clinical testing. Allele origin: germline.
Comment: The c.5517delA (p.A1840Pfs*60) alteration, located in exon 25 (coding exon 25) of the SPTB gene, consists of a deletion of one nucleotide at position 5517, causing a translational frameshift with a predicted alternate stop codon after 60 amino acids. This alteration is expected to result in loss of function by premature protein truncation or nonsense-mediated mRNA decay. This variant was not reported in population-based cohorts in the Genome Aggregation Database (gnomAD). Based on the available evidence, this alteration is classified as pathogenic.

NM_000347.5:c.5517delA

Gene: SPTB (spectrin beta, erythrocytic; minus strand).
Variant type: Deletion.
Identifiers: ClinVar variation 4632105 (VCV004632105.1).